The following is an entry in ClinVar:

ClinVar aggregate classification (germline): Uncertain significance (1 of 4 stars; one submission).

Allele frequency attached by ClinVar (database versions not stated): gnomAD exomes below 0.00001.
gnomAD v4.1: 1 of 1,614,050 alleles (0.000062%); highest among the groups gnomAD compares: Non-Finnish European, 0.000085%; no homozygotes.

Submission:

Labcorp Genetics (formerly Invitae), Labcorp
Classification: Uncertain significance. Last evaluated: 2022-01-04. Review status: criteria provided, single submitter. Criteria: Invitae Variant Classification Sherloc (09022015). Collection method: clinical testing. Allele origin: germline.
Comment: Algorithms developed to predict the effect of missense changes on protein structure and function are either unavailable or do not agree on the potential impact of this missense change (SIFT: "Deleterious"; PolyPhen-2: "Probably Damaging"; Align-GVGD: "Class C0"). In summary, the available evidence is currently insufficient to determine the role of this variant in disease. Therefore, it has been classified as a Variant of Uncertain Significance. This variant has not been reported in the literature in individuals affected with CAD-related conditions. This variant is not present in population databases (gnomAD no frequency). This sequence change replaces tryptophan, which is neutral and slightly polar, with glycine, which is neutral and non-polar, at codon 205 of the CAD protein (p.Trp205Gly).

NM_004341.5(CAD):c.613T>G (p.Trp205Gly)

Gene: CAD (carbamoyl-phosphate synthetase 2, aspartate transcarbamylase, and dihydroorotase; plus strand). Cytogenetic location: 2p23.3.
Variant type: single nucleotide variant.
Coding change: c.613T>G on transcript NM_004341.5 (MANE Select); coding-DNA position 613, T replaced by G.
Protein change: p.Trp205Gly; replaces tryptophan 205 with glycine.
Molecular consequence: missense variant.
Genome position (GRCh38, 1-based): chr2:27,222,636, T>G. VCF-style: chr2-27222636-T-G. GRCh37 (hg19) VCF-style: chr2-27445504-T-G.
Other names: c.613T>G, p.Trp205Gly (NM_001306079.2); short protein forms W205G.
Identifiers: ClinVar variation 2074384 (VCV002074384.4), dbSNP rs2465289043, ClinGen allele CA346200009.